The following is an entry in ClinVar:

ClinVar aggregate classification (germline): Likely benign (1 of 4 stars; one submission).

Submission:

CeGaT Center for Human Genetics Tuebingen
Classification: Likely benign. Last evaluated: 2023-05-01. Review status: criteria provided, single submitter. Criteria: CeGaT Center For Human Genetics Tuebingen Variant Classification Criteria Version 2. Collection method: clinical testing. Allele origin: germline. Affected: yes. Observed: 1 variant allele.
Comment: HMCN2: BS1

NM_001291815.2(HMCN2):c.8366del (p.Pro2789fs)

Gene: HMCN2 (hemicentin 2; plus strand). Cytogenetic location: 9q34.11.
Variant type: Deletion.
Coding change: c.8366del on transcript NM_001291815.2 (MANE Select); coding-DNA position 8366, one base deleted (C; older notation c.8366delC).
Protein change: p.Pro2789fs; shifts the reading frame from proline 2789.
Molecular consequence: frameshift variant.
Genome position (GRCh38, 1-based): chr9:130,379,402, C deleted; the last of 5 consecutive C bases (chr9:130,379,398-130,379,402); deleting any one gives the same sequence. VCF-style (leftmost placement, unchanged base first): chr9-130379397-AC-A. GRCh37 (hg19) VCF-style: chr9-133254784-AC-A.
Other names: short protein forms P2789fs.
Identifiers: ClinVar variation 2659594 (VCV002659594.24), dbSNP rs1017406376, ClinGen allele CA200598151.